The following is an entry in ClinVar:

NM_019892.6(INPP5E):c.636C>A (p.Val212=)

Gene: INPP5E (inositol polyphosphate-5-phosphatase E; minus strand). Cytogenetic location: 9q34.3.
Variant type: single nucleotide variant.
Coding change: c.636C>A on transcript NM_019892.6 (MANE Select); coding-DNA position 636, C replaced by A.
Protein change: p.Val212=; no amino-acid change (valine 212 retained).
Molecular consequence: synonymous variant.
Genome position (GRCh38, 1-based): chr9:136,438,784, G>T on the plus strand (C>A on the coding strand, the complement: INPP5E is on the minus strand). VCF-style: chr9-136438784-G-T. GRCh37 (hg19) VCF-style: chr9-139333236-G-T.
Other names: p.Val212=; c.636C>A, p.Val212= (NM_001318502.2).
Identifiers: ClinVar variation 129276 (VCV000129276.25), dbSNP rs34071122, ClinGen allele CA153175.

ClinVar aggregate classification (germline): Benign/Likely benign. Review status: criteria provided, multiple submitters, no conflicts (2 of 4 stars). 8 submissions from 8 submitters: Benign (6); Likely benign (1). 1 of the submissions does not count toward it. Last evaluated 2026-02-02.

Conditions:
MORM syndrome (MORMS). Identifiers: Orphanet 75858, MedGen C1857802, MONDO:0012423, OMIM 610156.
Joubert syndrome 1 (JBTS1). Also called: Cerebellooculorenal syndrome 1; CEREBELLOPARENCHYMAL DISORDER IV. Identifiers: MedGen C4551568, MONDO:0008944, OMIM 213300.
Joubert syndrome. Also called: Familial aplasia of the vermis; JOUBERT-BOLTSHAUSER SYNDROME. Identifiers: Orphanet 475, MedGen C5979921, MONDO:0018772.

Allele frequency attached by ClinVar (database versions not stated): gnomAD exomes 0.00110 and 0.00283; ExAC 0.00379; ESP Exome Variant Server 0.01123; gnomAD 0.01168 and 0.01252; 1000 Genomes Project 0.01218; TOPMed 0.01285; 1000 Genomes Project 30x 0.01327.
gnomAD v4.1: 3,464 of 1,612,226 alleles (0.21%); highest among the groups gnomAD compares: African/African-American, 4.1%; 83 homozygotes.

Submissions (10):

Labcorp Genetics (formerly Invitae), Labcorp
Classification: Benign for Joubert syndrome. Last evaluated: 2026-02-02. Review status: criteria provided, single submitter. Criteria: Invitae Variant Classification Sherloc (09022015). Collection method: clinical testing. Allele origin: germline.

Mayo Clinic Laboratories, Mayo Clinic
Classification: Benign. Last evaluated: 2024-12-13. Review status: criteria provided, single submitter. Criteria: ACMG Guidelines, 2015. Collection method: clinical testing. Allele origin: germline. Observed: 2 variant alleles.
Comment: BA1, BS2, BP4, BP7

Fulgent Genetics
Classification: Likely benign for Joubert syndrome 1; MORM syndrome. Last evaluated: 2021-10-08. Review status: criteria provided, single submitter. Criteria: ACMG Guidelines, 2015. Collection method: clinical testing. Allele origin: unknown.

GeneDx
Classification: Benign. Last evaluated: 2018-02-21. Review status: criteria provided, single submitter. Criteria: GeneDx Variant Classification (06012015). Collection method: clinical testing. Allele origin: germline. Affected: yes.
Comment: This variant is considered likely benign or benign based on one or more of the following criteria: it is a conservative change, it occurs at a poorly conserved position in the protein, it is predicted to be benign by multiple in silico algorithms, and/or has population frequency not consistent with disease.

Illumina Laboratory Services, Illumina
Classification: Benign for Joubert syndrome 1. Last evaluated: 2018-01-12. Review status: criteria provided, single submitter. Criteria: ICSL Variant Classification Criteria 13 December 2019. Collection method: clinical testing. Allele origin: germline.
Comment: This variant was observed in the ICSL laboratory as part of a predisposition screen in an ostensibly healthy population. It had not been previously curated by ICSL or reported in the Human Gene Mutation Database (HGMD: prior to June 1st, 2018), and was therefore a candidate for classification through an automated scoring system. Utilizing variant allele frequency, disease prevalence and penetrance estimates, and inheritance mode, an automated score was calculated to assess if this variant is too frequent to cause the disease. Based on the score and internal cut-off values, a variant classified as benign is not then subjected to further curation. The score for this variant resulted in a classification of benign for this disease.

Breakthrough Genomics
Classification: Benign. Review status: criteria provided, single submitter. Criteria: ACMG Guidelines, 2015. Collection method: not provided. Allele origin: germline. Inheritance: Autosomal recessive inheritance. Affected: yes.

PreventionGenetics, part of Exact Sciences
Classification: Benign. Review status: criteria provided, single submitter. Criteria: ACMG Guidelines, 2015. Collection method: clinical testing. Allele origin: germline.

Dr. Peter K. Rogan Lab, Western University
No classification provided (evidence only). Condition: Thyroid cancer, nonmedullary, 1. Review status: no classification provided. Collection method: in vitro. Allele origin: not applicable. Functional consequence: retained intron. Not counted in ClinVar's aggregate classification.

Dr. Peter K. Rogan Lab, Western University
No classification provided (evidence only). Condition: Cervical cancer. Review status: no classification provided. Collection method: in vitro. Allele origin: not applicable. Functional consequence: retained intron. Not counted in ClinVar's aggregate classification.

Genetic Services Laboratory, University of Chicago
Classification: Likely benign for AllHighlyPenetrant. Review status: no assertion criteria provided. Collection method: clinical testing. Allele origin: germline. Inheritance: Autosomal recessive inheritance. Not counted in ClinVar's aggregate classification.
Comment: Likely benign based on allele frequency in 1000 Genomes Project or ESP global frequency and its presence in a patient with a rare or unrelated disease phenotype. NOT Sanger confirmed.